The following is an entry in ClinVar:

NM_001942.4(DSG1):c.2556C>T (p.His852=)

Genes: DSG1 (desmoglein 1; plus strand), DSG1-AS1 (DSG1 antisense RNA 1; minus strand), LOC126862720 (MED14-independent group 3 enhancer GRCh37_chr18:28933613-28934812; plus strand). Cytogenetic location: 18q12.1.
Variant type: single nucleotide variant.
Coding change: c.2556C>T on transcript NM_001942.4 (MANE Select); coding-DNA position 2556, C replaced by T.
Protein change: p.His852=; no amino-acid change (histidine 852 retained).
Molecular consequence: synonymous variant.
Genome position (GRCh38, 1-based): chr18:31,354,752, C>T. VCF-style: chr18-31354752-C-T. GRCh37 (hg19) VCF-style: chr18-28934715-C-T.
Other names: c.2556C>T (NM_001942.3).
Identifiers: ClinVar variation 1169602 (VCV001169602.13), dbSNP rs16961693, ClinGen allele CA8926387.

ClinVar aggregate classification (germline): Benign. Review status: criteria provided, multiple submitters, no conflicts (2 of 4 stars). 4 submissions from 4 submitters: Benign (3). 1 of the submissions does not count toward it. Last evaluated 2026-02-02.

Conditions:
DSG1-related disorder. Also called: DSG1-related condition.

Allele frequency attached by ClinVar (database versions not stated): gnomAD exomes 0.01030; ExAC 0.01261; gnomAD 0.04009 and 0.04290; ESP Exome Variant Server 0.04336; 1000 Genomes Project 0.04473; TOPMed 0.04546; 1000 Genomes Project 30x 0.04809.
gnomAD v4.1: 11,855 of 1,614,080 alleles (0.73%); highest among the groups gnomAD compares: African/African-American, 14%; 796 homozygotes.

Submissions (4):

Labcorp Genetics (formerly Invitae), Labcorp
Classification: Benign. Last evaluated: 2026-02-02. Review status: criteria provided, single submitter. Criteria: Invitae Variant Classification Sherloc (09022015). Collection method: clinical testing. Allele origin: germline.

GeneDx
Classification: Benign. Last evaluated: 2021-05-04. Review status: criteria provided, single submitter. Criteria: GeneDx Variant Classification Process June 2021. Collection method: clinical testing. Allele origin: germline. Affected: yes.

Breakthrough Genomics
Classification: Benign. Review status: criteria provided, single submitter. Criteria: ACMG Guidelines, 2015. Collection method: not provided. Allele origin: germline. Inheritance: Autosomal recessive inheritance. Affected: yes.

PreventionGenetics, part of Exact Sciences
Classification: Benign for DSG1-related condition. Last evaluated: 2020-01-02. Review status: no assertion criteria provided. Collection method: clinical testing. Allele origin: germline. Not counted in ClinVar's aggregate classification.
Comment: This variant is classified as benign based on ACMG/AMP sequence variant interpretation guidelines (Richards et al. 2015 PMID: 25741868, with internal and published modifications).